The following is an entry in ClinVar:

NM_000088.4(COL1A1):c.3275C>T (p.Pro1092Leu)

Gene: COL1A1 (collagen type I alpha 1 chain; minus strand). Cytogenetic location: 17q21.33.
Variant type: single nucleotide variant.
Coding change: c.3275C>T on transcript NM_000088.4 (MANE Select); coding-DNA position 3275, C replaced by T.
Protein change: p.Pro1092Leu; replaces proline 1092 with leucine.
Molecular consequence: missense variant.
Genome position (GRCh38, 1-based): chr17:50,187,970, G>A on the plus strand (C>T on the coding strand, the complement: COL1A1 is on the minus strand). VCF-style: chr17-50187970-G-A. GRCh37 (hg19) VCF-style: chr17-48265331-G-A.
Other names: short protein forms P1092L.
Identifiers: ClinVar variation 2180847 (VCV002180847.5), dbSNP rs1437093924, ClinGen allele CA400199930.
Genomic context (GRCh38, chr17:50,187,970, plus strand): 5'-CCACGGTGACCCTTTATGCCTCTGTCGCCCTGTTCGCCTGTCTCACCCTTGTCACCACGG[G>A]GGCCTTGGGGTCCCTAGAAGAGAGAAAGGGACAAACTGTCAGGCGGAAGTTCCATTGGCA-3'
Protein context (NP_000079.2, residues 1082-1102): GARGPAGPQG[Pro1092Leu]RGDKGETGEQ

ClinVar aggregate classification (germline): Uncertain significance. Review status: criteria provided, multiple submitters, no conflicts (2 of 4 stars). 2 submissions from 2 submitters: Uncertain significance (2). Last evaluated 2025-01-07.

Conditions:
Osteogenesis imperfecta type I (OI1). Also called: OI, TYPE I; OSTEOGENESIS IMPERFECTA TARDA; OSTEOGENESIS IMPERFECTA WITH BLUE SCLERAE; Osteogenesis imperfecta type 1; Lobstein's Disease; Lobstein disease. Identifiers: Orphanet 216796, Orphanet 666, MedGen C0023931, MONDO:0008146, OMIM 166200. Disease mechanism: loss of function.

Allele frequency attached by ClinVar (database versions not stated): gnomAD exomes below 0.00001; TOPMed below 0.00001; gnomAD 0.00001.

Submissions (2):

Labcorp Genetics (formerly Invitae), Labcorp
Classification: Uncertain significance for Osteogenesis imperfecta type I. Last evaluated: 2025-01-07. Review status: criteria provided, single submitter. Criteria: Invitae Variant Classification Sherloc (09022015). Collection method: clinical testing. Allele origin: germline.
Comment: This sequence change replaces proline, which is neutral and non-polar, with leucine, which is neutral and non-polar, at codon 1092 of the COL1A1 protein (p.Pro1092Leu). This variant is not present in population databases (gnomAD no frequency). This variant has not been reported in the literature in individuals affected with COL1A1-related conditions. ClinVar contains an entry for this variant (Variation ID: 2180847). Invitae Evidence Modeling of protein sequence and biophysical properties (such as structural, functional, and spatial information, amino acid conservation, physicochemical variation, residue mobility, and thermodynamic stability) indicates that this missense variant is expected to disrupt COL1A1 protein function with a positive predictive value of 95%. In summary, the available evidence is currently insufficient to determine the role of this variant in disease. Therefore, it has been classified as a Variant of Uncertain Significance.

GeneDx
Classification: Uncertain significance. Last evaluated: 2024-09-16. Review status: criteria provided, single submitter. Criteria: GeneDx Variant Classification Process June 2021. Collection method: clinical testing. Allele origin: germline. Affected: yes.
Comment: Not observed at significant frequency in large population cohorts (gnomAD); In silico analysis supports that this missense variant has a deleterious effect on protein structure/function; Has not been previously published as pathogenic or benign to our knowledge; Occurs in the triple helical domain at the X position in the canonical Gly-X-Y repeat; although this variant may have an effect on normal protein folding and function, missense substitution at the X position is not a common mechanism of disease (HGMD)